The following is an entry in ClinVar:

ClinVar aggregate classification (germline): Uncertain significance (1 of 4 stars; one submission).

Conditions:
Congenital myasthenic syndrome 9. Also called: Myasthenic syndrome, congenital, 9, associated with acetylcholine receptor deficiency. Identifiers: Orphanet 590, MedGen C4225368, MONDO:0014587, OMIM 616325.
Fetal akinesia deformation sequence 1 (FADS1). Also called: Fetal akinesia sequence; Pena-Shokeir syndrome type I. Identifiers: Orphanet 994, MedGen C1276035, MONDO:0100101, OMIM 208150, HP:0001989.

Allele frequency attached by ClinVar (database versions not stated): gnomAD exomes 0.00002 and 0.00003; TOPMed 0.00003; ExAC 0.00005; gnomAD 0.00001.
gnomAD v4.1: 9 of 1,515,832 alleles (0.00059%); highest among the groups gnomAD compares: Admixed American, 0.018%; no homozygotes.

Submission:

Labcorp Genetics (formerly Invitae), Labcorp
Classification: Uncertain significance for Congenital myasthenic syndrome 9; Fetal akinesia deformation sequence 1. Last evaluated: 2022-07-26. Review status: criteria provided, single submitter. Criteria: Invitae Variant Classification Sherloc (09022015). Collection method: clinical testing. Allele origin: germline.
Comment: This sequence change replaces valine, which is neutral and non-polar, with alanine, which is neutral and non-polar, at codon 867 of the MUSK protein (p.Val867Ala). This variant is present in population databases (rs779710805, gnomAD 0.03%). This variant has not been reported in the literature in individuals affected with MUSK-related conditions. ClinVar contains an entry for this variant (Variation ID: 939568). Advanced modeling of protein sequence and biophysical properties (such as structural, functional, and spatial information, amino acid conservation, physicochemical variation, residue mobility, and thermodynamic stability) performed at Invitae indicates that this missense variant is not expected to disrupt MUSK protein function. In summary, the available evidence is currently insufficient to determine the role of this variant in disease. Therefore, it has been classified as a Variant of Uncertain Significance.

NM_005592.4(MUSK):c.2600T>C (p.Val867Ala)

Gene: MUSK (muscle associated receptor tyrosine kinase; plus strand). Cytogenetic location: 9q31.3.
Variant type: single nucleotide variant.
Coding change: c.2600T>C on transcript NM_005592.4 (MANE Select); coding-DNA position 2600, T replaced by C.
Protein change: p.Val867Ala; replaces valine 867 with alanine.
Molecular consequence: missense variant.
Genome position (GRCh38, 1-based): chr9:110,800,978, T>C. VCF-style: chr9-110800978-T-C. GRCh37 (hg19) VCF-style: chr9-113563258-T-C.
Other names: c.2342T>C, p.Val781Ala (NM_001166280.2); c.2312T>C, p.Val771Ala (NM_001166281.2); c.1340T>C, p.Val447Ala (NM_001369398.1); short protein forms V781A, V447A, V771A, V867A.
Identifiers: ClinVar variation 939568 (VCV000939568.7), dbSNP rs779710805, ClinGen allele CA5184654.